The following is an entry in ClinVar:

ClinVar aggregate classification (germline): Likely benign (0 of 4 stars; one submission).

Conditions:
ATP2C2-related disorder. Also called: ATP2C2-related condition.

Allele frequency attached by ClinVar (database versions not stated): gnomAD exomes 0.00001; TOPMed 0.00002; ExAC 0.00004; gnomAD 0.00005; 1000 Genomes Project 30x 0.00016; 1000 Genomes Project 0.00020.
gnomAD v4.1: 28 of 1,613,920 alleles (0.0017%); highest among the groups gnomAD compares: Middle Eastern, 0.016%; 1 homozygote.

Submission:

PreventionGenetics, part of Exact Sciences
Classification: Likely benign for ATP2C2-related condition. Last evaluated: 2019-03-20. Review status: no assertion criteria provided. Collection method: clinical testing. Allele origin: germline.
Comment: This variant is classified as likely benign based on ACMG/AMP sequence variant interpretation guidelines (Richards et al. 2015 PMID: 25741868, with internal and published modifications).

NM_014861.4(ATP2C2):c.297C>T (p.Ser99=)

Gene: ATP2C2 (ATPase secretory pathway Ca2+ transporting 2; plus strand). Cytogenetic location: 16q24.1.
Variant type: single nucleotide variant.
Coding change: c.297C>T on transcript NM_014861.4 (MANE Select); coding-DNA position 297, C replaced by T.
Protein change: p.Ser99=; no amino-acid change (serine 99 retained).
Molecular consequence: synonymous variant.
Genome position (GRCh38, 1-based): chr16:84,405,214, C>T. VCF-style: chr16-84405214-C-T. GRCh37 (hg19) VCF-style: chr16-84438820-C-T.
Other names: c.297C>T, p.Ser99= (NM_001286527.3).
Identifiers: ClinVar variation 3057295 (VCV003057295.2), dbSNP rs545270710, ClinGen allele CA8206545.